The following is an entry in ClinVar:

ClinVar aggregate classification (germline): Likely pathogenic (1 of 4 stars; one submission).

Conditions:
Cortical dysplasia, complex, with other brain malformations 13. Also called: Intellectual disability, autosomal dominant 13. Identifiers: MedGen C3281202, MONDO:0013805, OMIM 614563.

Submission:

Neuberg Centre For Genomic Medicine, NCGM
Classification: Likely pathogenic for Cortical dysplasia, complex, with other brain malformations 13. Review status: criteria provided, single submitter. Criteria: ACMG Guidelines, 2015. Collection method: clinical testing. Allele origin: germline. Inheritance: Autosomal dominant inheritance. Affected: yes.
Comment: The missense variant p.P1356L in DYNC1H1 (NM_001376.5) has not been reported previously as a pathogenic variant nor as a benign variant, to our knowledge. The p.P1356L variant is novel (not in any individuals) in gnomAD Exomes and is novel (not in any individuals) in 1000 Genomes. There is a moderate physicochemical difference between proline and leucine. The p.P1356L missense variant is predicted to be damaging by both SIFT and PolyPhen2. The proline residue at codon 1356 of DYNC1H1 is conserved in all mammalian species. The nucleotide c.4067 in DYNC1H1 is predicted conserved by GERP++ and PhyloP across 100 vertebrates. For these reasons, this variant has been classified as Likely Pathogenic.

NM_001376.5(DYNC1H1):c.4067C>T (p.Pro1356Leu)

Gene: DYNC1H1 (dynein cytoplasmic 1 heavy chain 1; plus strand). Cytogenetic location: 14q32.31.
Variant type: single nucleotide variant.
Coding change: c.4067C>T on transcript NM_001376.5 (MANE Select); coding-DNA position 4067, C replaced by T.
Protein change: p.Pro1356Leu; replaces proline 1356 with leucine.
Molecular consequence: missense variant.
Genome position (GRCh38, 1-based): chr14:102,000,392, C>T. VCF-style: chr14-102000392-C-T. GRCh37 (hg19) VCF-style: chr14-102466729-C-T.
Other names: short protein forms P1356L.
Identifiers: ClinVar variation 2585408 (VCV002585408.1), dbSNP rs2503727356, ClinGen allele CA391039442.